The following is an entry in ClinVar:

ClinVar aggregate classification (germline): Likely benign. Review status: criteria provided, multiple submitters, no conflicts (2 of 4 stars). 3 submissions from 3 submitters: Likely benign (3). Last evaluated 2024-03-21.

Conditions:
Cardiovascular phenotype. Identifiers: MedGen CN230736.

Submissions (3):

Labcorp Genetics (formerly Invitae), Labcorp
Classification: Likely benign. Last evaluated: 2024-03-21. Review status: criteria provided, single submitter. Criteria: Invitae Variant Classification Sherloc (09022015). Collection method: clinical testing. Allele origin: germline.

CeGaT Center for Human Genetics Tuebingen
Classification: Likely benign. Last evaluated: 2023-04-01. Review status: criteria provided, single submitter. Criteria: CeGaT Center For Human Genetics Tuebingen Variant Classification Criteria Version 2. Collection method: clinical testing. Allele origin: germline. Affected: yes. Observed: 1 variant allele.
Comment: ZNF469: BP4, BP7

Ambry Genetics
Classification: Likely benign for Cardiovascular phenotype. Last evaluated: 2019-09-30. Review status: criteria provided, single submitter. Criteria: Ambry Variant Classification Scheme 2023. Collection method: clinical testing. Allele origin: germline.

NM_001367624.2(ZNF469):c.1674T>G (p.Ala558=)

Gene: ZNF469 (zinc finger protein 469; plus strand). Cytogenetic location: 16q24.2.
Variant type: single nucleotide variant.
Coding change: c.1674T>G on transcript NM_001367624.2 (MANE Select); coding-DNA position 1674, T replaced by G.
Protein change: p.Ala558=; no amino-acid change (alanine 558 retained).
Molecular consequence: synonymous variant.
Genome position (GRCh38, 1-based): chr16:88,429,144, T>G. VCF-style: chr16-88429144-T-G. GRCh37 (hg19) VCF-style: chr16-88495552-T-G.
Other names: NM_001127464.1:c.1674T>G.
Identifiers: ClinVar variation 1777766 (VCV001777766.31), dbSNP rs1288038070, ClinGen allele CA497352566.
Genomic context (GRCh38, chr16:88,429,144, plus strand): 5'-AAGCAGCCAGGGCGGCTCCCCAGCACTGTTCACCTACAACGGAATGACAGACCCTGGGGC[T>G]CAGCCCCTGTTCTTCGGGGTGGCCCAGCCCCAGGTTTCACCCCACGGGACACCCAGCCTG-3'
Protein context (NP_001354553.1, residues 548-568): FTYNGMTDPG[Ala558=]QPLFFGVAQP